The following is an entry in ClinVar:

ClinVar aggregate classification (germline): Uncertain significance (1 of 4 stars; one submission).

Conditions:
Left ventricular noncompaction 1 (LVNC1). Also called: LEFT VENTRICULAR NONCOMPACTION 1 WITH OR WITHOUT CONGENITAL HEART DEFECTS. Identifiers: Orphanet 54260, MedGen C1858725, MONDO:0011403, OMIM 604169.

gnomAD v4.1: 4 of 1,614,128 alleles (0.00025%); highest among the groups gnomAD compares: Non-Finnish European, 0.00034%; no homozygotes.

Submission:

Labcorp Genetics (formerly Invitae), Labcorp
Classification: Uncertain significance for Left ventricular noncompaction 1. Last evaluated: 2025-06-27. Review status: criteria provided, single submitter. Criteria: Invitae Variant Classification Sherloc (09022015). Collection method: clinical testing. Allele origin: germline.
Comment: This sequence change replaces serine, which is neutral and polar, with tyrosine, which is neutral and polar, at codon 86 of the DTNA protein (p.Ser86Tyr). This variant is present in population databases (no rsID available, gnomAD 0.002%). This variant has not been reported in the literature in individuals affected with DTNA-related conditions. Invitae Evidence Modeling of protein sequence and biophysical properties (such as structural, functional, and spatial information, amino acid conservation, physicochemical variation, residue mobility, and thermodynamic stability) indicates that this missense variant is not expected to disrupt DTNA protein function with a negative predictive value of 80%. In summary, the available evidence is currently insufficient to determine the role of this variant in disease. Therefore, it has been classified as a Variant of Uncertain Significance.

NM_001386795.1(DTNA):c.257C>A (p.Ser86Tyr)

Gene: DTNA (dystrobrevin alpha; plus strand). Cytogenetic location: 18q12.1.
Variant type: single nucleotide variant.
Coding change: c.257C>A on transcript NM_001386795.1 (MANE Select); coding-DNA position 257, C replaced by A.
Protein change: p.Ser86Tyr; replaces serine 86 with tyrosine.
Molecular consequence: missense variant.
Genome position (GRCh38, 1-based): chr18:34,794,145, C>A. VCF-style: chr18-34794145-C-A. GRCh37 (hg19) VCF-style: chr18-32374109-C-A.
Other names: c.257C>A, p.Ser86Tyr (NM_001128175.2, NM_001198938.2, NM_001198939.2 and 35 more transcripts); short protein forms S86Y.
Identifiers: ClinVar variation 4801096 (VCV004801096.1).